The following is an entry in ClinVar:

NM_004408.4(DNM1):c.1150C>T (p.Leu384Phe)

Gene: DNM1 (dynamin 1; plus strand). Cytogenetic location: 9q34.11.
Variant type: single nucleotide variant.
Coding change: c.1150C>T on transcript NM_004408.4 (MANE Select); coding-DNA position 1150, C replaced by T.
Protein change: p.Leu384Phe; replaces leucine 384 with phenylalanine.
Molecular consequence: missense variant.
Genome position (GRCh38, 1-based): chr9:128,222,814, C>T. VCF-style: chr9-128222814-C-T. GRCh37 (hg19) VCF-style: chr9-130985093-C-T.
Other names: c.1150C>T, p.Leu384Phe (NM_001005336.3, NM_001288737.2, NM_001288738.2 and 2 more transcripts); short protein forms L384F.
Identifiers: ClinVar variation 3766111 (VCV003766111.1).

ClinVar aggregate classification (germline): Uncertain significance (1 of 4 stars; one submission).

Submission:

GeneDx
Classification: Uncertain significance. Last evaluated: 2024-08-29. Review status: criteria provided, single submitter. Criteria: GeneDx Variant Classification Process June 2021. Collection method: clinical testing. Allele origin: germline. Affected: yes.
Comment: Not observed at significant frequency in large population cohorts (gnomAD); In silico analysis supports that this missense variant has a deleterious effect on protein structure/function; Has not been previously published as pathogenic or benign to our knowledge